The following is an entry in ClinVar:

ClinVar aggregate classification (germline): Uncertain significance. Review status: criteria provided, multiple submitters, no conflicts (2 of 4 stars). 2 submissions from 2 submitters: Uncertain significance (2). Last evaluated 2025-02-18.

Conditions:
Hereditary cancer-predisposing syndrome. Also called: Tumor predisposition; Neoplastic Syndromes, Hereditary; Hereditary Cancer Syndrome; Hereditary neoplastic syndrome. Identifiers: Orphanet 140162, MedGen C0027672, MeSH D009386, MONDO:0015356.
Gorlin syndrome. Also called: Basal cell nevus syndrome; Nevoid Basal Cell Carcinoma Syndrome. Identifiers: Orphanet 377, MedGen C0004779, MONDO:0007187.
Medulloblastoma (MDB). Also called: Medulloblastoma, somatic; MEDULLOBLASTOMA PREDISPOSITION SYNDROME. Identifiers: Orphanet 616, MedGen C0025149, MeSH D008527, MONDO:0007959, OMIM 155255, HP:0002885.

Submissions (2):

Ambry Genetics
Classification: Uncertain significance for Hereditary cancer-predisposing syndrome. Last evaluated: 2025-02-18. Review status: criteria provided, single submitter. Criteria: Ambry Variant Classification Scheme 2023. Collection method: clinical testing. Allele origin: germline.
Comment: The p.P322H variant (also known as c.965C>A), located in coding exon 8 of the SUFU gene, results from a C to A substitution at nucleotide position 965. The proline at codon 322 is replaced by histidine, an amino acid with similar properties. This amino acid position is not well conserved in available vertebrate species. In addition, this alteration is predicted to be tolerated by in silico analysis. Based on the available evidence, the clinical significance of this variant remains unclear.

Labcorp Genetics (formerly Invitae), Labcorp
Classification: Uncertain significance for Gorlin syndrome; Medulloblastoma. Last evaluated: 2024-02-13. Review status: criteria provided, single submitter. Criteria: Invitae Variant Classification Sherloc (09022015). Collection method: clinical testing. Allele origin: germline.
Comment: This sequence change replaces proline, which is neutral and non-polar, with histidine, which is basic and polar, at codon 322 of the SUFU protein (p.Pro322His). This variant is not present in population databases (gnomAD no frequency). This variant has not been reported in the literature in individuals affected with SUFU-related conditions. ClinVar contains an entry for this variant (Variation ID: 1056741). Advanced modeling of protein sequence and biophysical properties (such as structural, functional, and spatial information, amino acid conservation, physicochemical variation, residue mobility, and thermodynamic stability) performed at Invitae indicates that this missense variant is not expected to disrupt SUFU protein function with a negative predictive value of 80%. In summary, the available evidence is currently insufficient to determine the role of this variant in disease. Therefore, it has been classified as a Variant of Uncertain Significance.

NM_016169.4(SUFU):c.965C>A (p.Pro322His)

Gene: SUFU (SUFU negative regulator of hedgehog signaling; plus strand). Cytogenetic location: 10q24.32.
Variant type: single nucleotide variant.
Coding change: c.965C>A on transcript NM_016169.4 (MANE Select); coding-DNA position 965, C replaced by A.
Protein change: p.Pro322His; replaces proline 322 with histidine.
Molecular consequence: missense variant.
Genome position (GRCh38, 1-based): chr10:102,599,487, C>A. VCF-style: chr10-102599487-C-A. GRCh37 (hg19) VCF-style: chr10-104359244-C-A.
Other names: c.965C>A, p.Pro322His (NM_001178133.2); short protein forms P322H.
Identifiers: ClinVar variation 1056741 (VCV001056741.15), dbSNP rs2135888788, ClinGen allele CA377911101.
Genomic context (GRCh38, chr10:102,599,487, plus strand): 5'-TTGCAGACACAGAGCAGATCCGGGAGACCCTGAGGAGAGGACTCGAGATCAACAGCAAAC[C>A]TGTCCTTCCACCAATCAACCCTCAGCGGCAGAATGGCCTCGCCCACGACCGGGCCCCGTA-3'
Protein context (NP_057253.2, residues 312-332): LRRGLEINSK[Pro322His]VLPPINPQRQ